The following is an entry in ClinVar:

ClinVar aggregate classification (germline): Pathogenic (1 of 4 stars; one submission).

Conditions:
Cornelia de Lange syndrome 1 (CDLS1). Also called: Brachmann de Lange syndrome; NIPBL-Related Cornelia de Lange Syndrome; TYPUS DEGENERATIVUS AMSTELODAMENSIS. Identifiers: Orphanet 199, MedGen C4551851, MONDO:0007387, OMIM 122470.

Submission:

Labcorp Genetics (formerly Invitae), Labcorp
Classification: Pathogenic for Cornelia de Lange syndrome 1. Last evaluated: 2021-07-27. Review status: criteria provided, single submitter. Criteria: Invitae Variant Classification Sherloc (09022015). Collection method: clinical testing. Allele origin: germline.
Comment: For these reasons, this variant has been classified as Pathogenic. A similar copy number variant has been observed in individual(s) with Cornelia de Lange syndrome (PMID: 23313159). This variant is a gross deletion of the genomic region encompassing exon(s) 2-32 of the NIPBL gene, which includes the initiator codon. The 5' end of this event is unknown as it extends beyond the assayed region for this gene and therefore may encompass additional genes. The 3' boundary is likely confined to intron 32 of the NIPBL gene. It is expected to result in an absent or disrupted protein product. Loss-of-function variants in NIPBL are known to be pathogenic (PMID: 15318302, 19763162, 23505322, 29995837).

Literature cited by the submitters: PubMed 23313159; PubMed 15318302; PubMed 19763162; PubMed 23505322; PubMed 29995837.

NC_000005.9:g.(?_36953718)_(37027534_?)del

Gene: NIPBL (NIPBL cohesin loading factor; plus strand). Cytogenetic location: 5p13.2.
Variant type: Deletion.
Identifiers: ClinVar variation 1456136 (VCV001456136.4).